The following is an entry in ClinVar:

ClinVar aggregate classification (germline): Uncertain significance. Review status: criteria provided, multiple submitters, no conflicts (2 of 4 stars). 3 submissions from 3 submitters: Uncertain significance (3). Last evaluated 2024-07-30.

Conditions:
Early-infantile DEE. Also called: Early infantile epileptic encephalopathy; Early infantile epileptic encephalopathy with suppression bursts; Ohtahara syndrome. Identifiers: Orphanet 1934, MedGen C0393706, MONDO:0800491.
Generalized epilepsy with febrile seizures plus, type 2 (GEFSP2). Also called: GEFS+, TYPE 2. Identifiers: Orphanet 36387, MedGen C1858673, MONDO:0011461, OMIM 604403.

Allele frequency attached by ClinVar (database versions not stated): TOPMed below 0.00001; ExAC 0.00001; gnomAD exomes 0.00001.
gnomAD v4.1: 3 of 1,612,774 alleles (0.00019%); highest among the groups gnomAD compares: Admixed American, 0.005%; no homozygotes.

Submissions (3):

Labcorp Genetics (formerly Invitae), Labcorp
Classification: Uncertain significance for Early-infantile DEE. Last evaluated: 2024-07-30. Review status: criteria provided, single submitter. Criteria: Invitae Variant Classification Sherloc (09022015). Collection method: clinical testing. Allele origin: germline.
Comment: This sequence change replaces serine, which is neutral and polar, with threonine, which is neutral and polar, at codon 1152 of the SCN1A protein (p.Ser1152Thr). This variant is present in population databases (rs763254451, gnomAD 0.006%). This variant has not been reported in the literature in individuals affected with SCN1A-related conditions. ClinVar contains an entry for this variant (Variation ID: 566881). Advanced modeling of protein sequence and biophysical properties (such as structural, functional, and spatial information, amino acid conservation, physicochemical variation, residue mobility, and thermodynamic stability) has been performed at Invitae for this missense variant, however the output from this modeling did not meet the statistical confidence thresholds required to predict the impact of this variant on SCN1A protein function. In summary, the available evidence is currently insufficient to determine the role of this variant in disease. Therefore, it has been classified as a Variant of Uncertain Significance.

GeneDx
Classification: Uncertain significance. Last evaluated: 2019-03-27. Review status: criteria provided, single submitter. Criteria: GeneDx Variant Classification Process June 2021. Collection method: clinical testing. Allele origin: germline. Affected: yes.
Comment: The majority of missense variants in this gene are considered pathogenic (Stenson et al., 2014); In silico analysis, which includes protein predictors and evolutionary conservation, supports that this variant does not alter protein structure/function; Has not been previously published as pathogenic or benign to our knowledge; Predicted to be in the cytoplasmic loop between the second and third homologous domains

Lifecell International Pvt. Ltd
Classification: Uncertain significance for Generalized epilepsy with febrile seizures plus, type 2. Review status: criteria provided, single submitter. Criteria: ACMG Guidelines, 2015. Collection method: clinical testing. Allele origin: germline. Inheritance: Autosomal dominant inheritance. Affected: yes. Observed: 1 heterozygote.
Comment: The missense variant NM_001165963.4(SCN1A):c.3454T>A (p.Ser1152Thr) has not been reported previously as a pathogenic variant nor as a benign variant, to our knowledge. The p.Ser1152Thr variant is novel from South Asian background in gnomAD. The p.Ser1152Thr variant is novel (not in any individuals) in 1kG. There is a small physicochemical difference between serine and threonine, which is not likely to impact secondary protein structure as these residues share similar properties. The gene SCN1A has a low rate of benign missense variation as indicated by a high missense variants Z-Score of 5.22. The gene SCN1A contains 418 pathogenic missense variants, indicating that missense variants are a common mechanism of disease in this gene. The p.Ser1152Thr missense variant is predicted to be damaging by both SIFT and PolyPhen2. The serine residue at codon 1152 of SCN1A is conserved in all mammalian species. The nucleotide c.3454 in SCN1A is predicted conserved by GERP++ and PhyloP across 100 vertebrates. This variant was found in ClinVar (Variant 566881) with a classification of Uncertain Significance and a review status of (1 stars) criteria provided, single submitter. For these reasons, this variant has been classified as Uncertain Significance.

NM_001165963.4(SCN1A):c.3454T>A (p.Ser1152Thr)

Genes: SCN1A (sodium voltage-gated channel alpha subunit 1; minus strand), LOC102724058 (uncharacterized LOC102724058; plus strand). Cytogenetic location: 2q24.3.
Variant type: single nucleotide variant.
Coding change: c.3454T>A on transcript NM_001165963.4 (MANE Select); coding-DNA position 3454, T replaced by A.
Protein change: p.Ser1152Thr; replaces serine 1152 with threonine.
Molecular consequence: missense variant. On other transcripts: non-coding transcript variant (2).
Genome position (GRCh38, 1-based): chr2:166,015,703, A>T on the plus strand (T>A on the coding strand, the complement: SCN1A is on the minus strand). VCF-style: chr2-166015703-A-T. GRCh37 (hg19) VCF-style: chr2-166872213-A-T.
Other names: c.3370T>A, p.Ser1124Thr (NM_001165964.3, NM_001353957.2, NM_001353958.2); c.3454T>A, p.Ser1152Thr (NM_001202435.3, NM_001353948.2); c.3421T>A, p.Ser1141Thr (NM_001353949.2, NM_001353950.2, NM_001353951.2 and 2 more transcripts); c.3418T>A, p.Ser1140Thr (NM_001353954.2, NM_001353955.2); c.3367T>A, p.Ser1123Thr (NM_001353960.2); c.1012T>A, p.Ser338Thr (NM_001353961.2); short protein forms S1141T, S1152T, S1124T, S1140T, S1123T, S338T.
Identifiers: ClinVar variation 566881 (VCV000566881.13), dbSNP rs763254451, ClinGen allele CA1942950.
Genomic context (GRCh38, chr2:166,015,703, plus strand): 5'-CAGGTTCCACTACGGGCTGTTCTTCTACAGGTGCGCCGATGTCCACAGTGCTACCTTCTG[A>T]TGAGCTACTGCTTTCATTCAGTTTCTGTAAGTGAGATGGACATAGAAAGTAAAGTCCTTT-3'
Protein context (NP_001159435.1, residues 1142-1162): KEKLNESSSS[Ser1152Thr]EGSTVDIGAP